The following is an entry in ClinVar:

NM_000545.8(HNF1A):c.*1268G>A

Genes: C12orf43 (chromosome 12 open reading frame 43; minus strand), HNF1A (HNF1 homeobox A; plus strand). Cytogenetic location: 12q24.31.
Variant type: single nucleotide variant.
Coding change: c.*1268G>A on transcript NM_000545.8 (MANE Select); 1268 bases downstream of the stop codon, G replaced by A.
Molecular consequence: 3 prime UTR variant. On other transcripts: non-coding transcript variant (1).
Genome position (GRCh38, 1-based): chr12:121,002,460, G>A. VCF-style: chr12-121002460-G-A. GRCh37 (hg19) VCF-style: chr12-121440263-G-A.
Other names: c.*1693C>T (NM_001286191.2, NM_001286192.2, NM_001286195.2 and 4 more transcripts); c.*1268G>A (NM_001306179.2, NM_001406915.1).
Identifiers: ClinVar variation 307475 (VCV000307475.7), dbSNP rs41279096, ClinGen allele CA6832250.

ClinVar aggregate classification (germline): Benign. Review status: criteria provided, multiple submitters, no conflicts (2 of 4 stars). 3 submissions from 3 submitters: Benign (3). Last evaluated 2018-01-12.

Conditions:
Maturity-onset diabetes of the young (MODY). Also called: Maturity onset diabetes mellitus in young. Identifiers: Orphanet 552, MedGen C0342276, MONDO:0018911, HP:0004904.
Maturity-onset diabetes of the young type 3. Also called: MODY, type III; MODY type 3. Identifiers: Orphanet 552, MedGen C1838100, MeSH C563933, MONDO:0010894, OMIM 600496. Disease mechanism: loss of function.

Allele frequency attached by ClinVar (database versions not stated): ExAC 0.08591; 1000 Genomes Project 0.10543; 1000 Genomes Project 30x 0.10915; gnomAD exomes 0.11481 and 0.13756; gnomAD 0.11600 and 0.11781; TOPMed 0.13415.
gnomAD v4.1: 60,475 of 527,290 alleles (11%); highest among the groups gnomAD compares: Admixed American, 31%; 4,972 homozygotes.

Submissions (3):

Illumina Laboratory Services, Illumina
Classification: Benign for Maturity-onset diabetes of the young type 3. Last evaluated: 2018-01-12. Review status: criteria provided, single submitter. Criteria: ICSL Variant Classification Criteria 13 December 2019. Collection method: clinical testing. Allele origin: germline.
Comment: This variant was observed in the ICSL laboratory as part of a predisposition screen in an ostensibly healthy population. It had not been previously curated by ICSL or reported in the Human Gene Mutation Database (HGMD: prior to June 1st, 2018), and was therefore a candidate for classification through an automated scoring system. Utilizing variant allele frequency, disease prevalence and penetrance estimates, and inheritance mode, an automated score was calculated to assess if this variant is too frequent to cause the disease. Based on the score and internal cut-off values, a variant classified as benign is not then subjected to further curation. The score for this variant resulted in a classification of benign for this disease.

Breakthrough Genomics
Classification: Benign. Review status: criteria provided, single submitter. Criteria: ACMG Guidelines, 2015. Collection method: not provided. Allele origin: germline. Inheritance: Autosomal dominant inheritance. Affected: yes.

Clinical Genomics, Uppaluri K&H Personalized Medicine Clinic
Classification: Benign for Maturity-onset diabetes of the young. Review status: criteria provided, single submitter. Criteria: K & H Uppaluri Personalized Medicine Clinic Variant Classification & Assertion Criteria_Updated V.1. Collection method: research. Allele origin: unknown. Inheritance: Autosomal dominant inheritance.
Comment: Mutations in HNF1A gene can predispose to MODY3. It is associated with both micro and macrovascular complications of diabetes, especially cardiovascular complications. Associated with glucosuria. May respond well to sulfonylureas. However, more evidence is required to confer the association of this particular variant rs41279096 with MODY3.

Literature cited by the submitters: PubMed 31517624 (cited by Clinical Genomics, Uppaluri K&H Personalized Medicine Clinic); PubMed 35328643 (cited by Clinical Genomics, Uppaluri K&H Personalized Medicine Clinic); PubMed 32395877 (cited by Clinical Genomics, Uppaluri K&H Personalized Medicine Clinic); PubMed 35673428 (cited by Clinical Genomics, Uppaluri K&H Personalized Medicine Clinic).